The following is an entry in ClinVar:

ClinVar aggregate classification (germline): Uncertain significance (1 of 4 stars; one submission).

Conditions:
Hereditary cancer-predisposing syndrome. Also called: Neoplastic Syndromes, Hereditary; Tumor predisposition; Hereditary Cancer Syndrome; Hereditary neoplastic syndrome. Identifiers: Orphanet 140162, MedGen C0027672, MeSH D009386, MONDO:0015356.

Submission:

Ambry Genetics
Classification: Uncertain significance for Hereditary cancer-predisposing syndrome. Last evaluated: 2015-10-09. Review status: criteria provided, single submitter. Criteria: Ambry Variant Classification Scheme 2023. Collection method: clinical testing. Allele origin: germline.
Comment: The p.G453A variant (also known as c.1358G>C), located in coding exon 12 of the MRE11A gene, results from a G to C substitution at nucleotide position 1358. The glycine at codon 453 is replaced by alanine, an amino acid with similar properties. This variant was not reported in population based cohorts in the following databases: Database of Single Nucleotide Polymorphisms (dbSNP), NHLBI Exome Sequencing Project (ESP), and 1000 Genomes Project. In the ESP, this variant was not observed in 6499 samples (12998 alleles) with coverage at this position. To date, this alteration has been detected with an allele frequency of approximately 0.002% (greater than 65000 alleles tested) in our clinical cohort. This amino acid position is highly conserved in available vertebrate species. In addition, this alteration is predicted to be deleterious by in silico analysis. Since supporting evidence is limited at this time, the clinical significance of p.G453A remains unclear.

NM_005591.4(MRE11):c.1358G>C (p.Gly453Ala)

Gene: MRE11 (MRE11 double strand break repair nuclease; minus strand). Cytogenetic location: 11q21.
Variant type: single nucleotide variant.
Coding change: c.1358G>C on transcript NM_005591.4 (MANE Select); coding-DNA position 1358, G replaced by C.
Protein change: p.Gly453Ala; replaces glycine 453 with alanine.
Molecular consequence: missense variant.
Genome position (GRCh38, 1-based): chr11:94,459,550, C>G on the plus strand (G>C on the coding strand, the complement: MRE11 is on the minus strand). VCF-style: chr11-94459550-C-G. GRCh37 (hg19) VCF-style: chr11-94192716-C-G.
Other names: c.1358G>C, p.Gly453Ala (NM_001330347.2, NM_005590.4); short protein forms G453A.
Identifiers: ClinVar variation 234235 (VCV000234235.5), dbSNP rs876660947, ClinGen allele CA10579379.
Genomic context (GRCh38, chr11:94,459,550, plus strand): 5'-AATTCCTCAATGGCATCTTTCTCCTCCTTGTCCACAAATTCTTGTACTGCTTCACCCATC[C>G]CTCTTTCTGTTAGCAGTGAGAGCTGCACATTCTGTAAGATACAAATCACTGGATGCAGAA-3'
Protein context (NP_005582.1, residues 443-463): NVQLSLLTER[Gly453Ala]MGEAVQEFVD